The following is an entry in ClinVar:

NM_006922.4(SCN3A):c.2656A>C (p.Thr886Pro)

Gene: SCN3A (sodium voltage-gated channel alpha subunit 3; minus strand). Cytogenetic location: 2q24.3.
Variant type: single nucleotide variant.
Coding change: c.2656A>C on transcript NM_006922.4 (MANE Select); coding-DNA position 2656, A replaced by C.
Protein change: p.Thr886Pro; replaces threonine 886 with proline.
Molecular consequence: missense variant.
Genome position (GRCh38, 1-based): chr2:165,130,206, T>G on the plus strand (A>C on the coding strand, the complement: SCN3A is on the minus strand). VCF-style: chr2-165130206-T-G. GRCh37 (hg19) VCF-style: chr2-165986716-T-G.
Other names: c.2509A>C, p.Thr837Pro (NM_001081676.2, NM_001081677.2); short protein forms T837P, T886P.
Identifiers: ClinVar variation 1314313 (VCV001314313.2), dbSNP rs2105772668, ClinGen allele CA349042832.

ClinVar aggregate classification (germline): Uncertain significance (1 of 4 stars; one submission).

Submission:

GeneDx
Classification: Uncertain significance. Last evaluated: 2021-04-01. Review status: criteria provided, single submitter. Criteria: GeneDx Variant Classification Process June 2021. Collection method: clinical testing. Allele origin: germline. Affected: yes.
Comment: Not observed in large population cohorts (Lek et al., 2016); In silico analysis supports that this missense variant has a deleterious effect on protein structure/function; Has not been previously published as pathogenic or benign to our knowledge